The following is an entry in ClinVar:

NM_001197104.2(KMT2A):c.10036G>A (p.Val3346Ile)

Gene: KMT2A (lysine methyltransferase 2A; plus strand). Cytogenetic location: 11q23.3.
Variant type: single nucleotide variant.
Coding change: c.10036G>A on transcript NM_001197104.2 (MANE Select); coding-DNA position 10036, G replaced by A.
Protein change: p.Val3346Ile; replaces valine 3346 with isoleucine.
Molecular consequence: missense variant.
Genome position (GRCh38, 1-based): chr11:118,505,928, G>A. VCF-style: chr11-118505928-G-A. GRCh37 (hg19) VCF-style: chr11-118376643-G-A.
Other names: c.10126G>A, p.Val3376Ile (NM_001412597.1); c.10027G>A, p.Val3343Ile (NM_005933.4); short protein forms V3343I, V3346I, V3376I.
Identifiers: ClinVar variation 4882680 (VCV004882680.2).
Genomic context (GRCh38, chr11:118,505,928, plus strand): 5'-ACTAGCCACCTCACATCAGGGTCTGTGTCTGGCTTGGCATCCAGTTCCTCTGTCTTGAAT[G>A]TTGTATCCATGCAAACTACCACAACCCCTACAAGTAGTGCGTCAGTTCCAGGACACGTCA-3'
Protein context (NP_001184033.1, residues 3336-3356): GLASSSSVLN[Val3346Ile]VSMQTTTTPT

ClinVar aggregate classification (germline): Uncertain significance (1 of 4 stars; one submission).

Conditions:
Wiedemann-Steiner syndrome (WDSTS). Also called: Growth deficiency and mental retardation with facial dysmorphism. Identifiers: Orphanet 319182, MedGen C1854630, MONDO:0011518, OMIM 605130.

Submission:

Dasa
Classification: Uncertain significance for Wiedemann-Steiner syndrome. Last evaluated: 2025-09-18. Review status: criteria provided, single submitter. Criteria: DASA Assertion Criteria. Collection method: clinical testing. Allele origin: germline.
Comment: NM_001197104.2(KMT2A):c.10036G>A (p.Val3346Ile) is a missense variant that results in the substitution of valine with isoleucine. This variant is absent from population databases. The currently available literature and clinical evidence are not sufficient to establish a definitive association between this variant and the reported condition. Therefore, this variant is classified as a variant of uncertain significance.